The following is an entry in ClinVar:

NM_000138.5(FBN1):c.5455C>T (p.Gln1819Ter)

Gene: FBN1 (fibrillin 1; minus strand). Cytogenetic location: 15q21.1.
Variant type: single nucleotide variant.
Coding change: c.5455C>T on transcript NM_000138.5 (MANE Select); coding-DNA position 5455, C replaced by T.
Protein change: p.Gln1819Ter; replaces glutamine 1819 with a stop codon.
Molecular consequence: nonsense.
Genome position (GRCh38, 1-based): chr15:48,452,652, G>A on the plus strand (C>T on the coding strand, the complement: FBN1 is on the minus strand). VCF-style: chr15-48452652-G-A. GRCh37 (hg19) VCF-style: chr15-48744849-G-A.
Other names: c.5455C>T, p.Gln1819Ter (NM_001406716.1); short protein forms Q1819*.
Identifiers: ClinVar variation 3277949 (VCV003277949.1).
Genomic context (GRCh38, chr15:48,452,652, plus strand): 5'-AGCCGGGCTTACAGTCACAGCGGTAGCTGCCTGCAGTGTTGATGCATTCGGCGTTGCGCT[G>A]GCACACTGGGCCGTTCTGACACTCGTCAATATCTACGAGCAGAAGAGAACTGAATTTGAA-3'

ClinVar aggregate classification (germline): Pathogenic (1 of 4 stars; one submission).

Conditions:
Familial thoracic aortic aneurysm and aortic dissection (TAAD). Also called: Thoracic aortic aneurysms and dissections. Identifiers: Orphanet 91387, MedGen C4707243, MONDO:0019625.

Submission:

Ambry Genetics
Classification: Pathogenic for Familial thoracic aortic aneurysm and aortic dissection. Last evaluated: 2024-05-14. Review status: criteria provided, single submitter. Criteria: Ambry Variant Classification Scheme 2023. Collection method: clinical testing. Allele origin: germline.
Comment: The p.Q1819* pathogenic mutation (also known as c.5455C>T), located in coding exon 44 of the FBN1 gene, results from a C to T substitution at nucleotide position 5455. This changes the amino acid from a glutamine to a stop codon within coding exon 44. This variant has been detected in a cohort of patients with aortic phenotypes and/or suspected Marfan syndrome; however, clinical detail was not provided (Yang H et al. Sci Rep, 2016 Sep;6:33002). This variant is considered to be rare based on population cohorts in the Genome Aggregation Database (gnomAD). This alteration is expected to result in loss of function by premature protein truncation or nonsense-mediated mRNA decay. As such, this alteration is interpreted as a disease-causing mutation.

Literature cited by the submitters: PubMed 27611364.